The following is an entry in ClinVar:

ClinVar aggregate classification (germline): Uncertain significance (1 of 4 stars; one submission).

Conditions:
Hereditary cancer-predisposing syndrome. Also called: Neoplastic Syndromes, Hereditary; Tumor predisposition; Hereditary Cancer Syndrome; Hereditary neoplastic syndrome. Identifiers: Orphanet 140162, MedGen C0027672, MeSH D009386, MONDO:0015356.

Submission:

Ambry Genetics
Classification: Uncertain significance for Hereditary cancer-predisposing syndrome. Last evaluated: 2025-10-17. Review status: criteria provided, single submitter. Criteria: Ambry Variant Classification Scheme 2023. Collection method: clinical testing. Allele origin: germline.
Comment: The p.G955R variant (also known as c.2863G>A), located in coding exon 17 of the ALK gene, results from a G to A substitution at nucleotide position 2863. The glycine at codon 955 is replaced by arginine, an amino acid with dissimilar properties. This amino acid position is highly conserved in available vertebrate species. In addition, this alteration is predicted to be deleterious by in silico analysis. Based on the available evidence, the clinical significance of this variant remains unclear.

NM_004304.5(ALK):c.2863G>A (p.Gly955Arg)

Gene: ALK (ALK receptor tyrosine kinase; minus strand). Cytogenetic location: 2p23.2.
Variant type: single nucleotide variant.
Coding change: c.2863G>A on transcript NM_004304.5 (MANE Select); coding-DNA position 2863, G replaced by A.
Protein change: p.Gly955Arg; replaces glycine 955 with arginine.
Molecular consequence: missense variant.
Genome position (GRCh38, 1-based): chr2:29,227,625, C>T on the plus strand (G>A on the coding strand, the complement: ALK is on the minus strand). VCF-style: chr2-29227625-C-T. GRCh37 (hg19) VCF-style: chr2-29450491-C-T.
Other names: short protein forms G955R.
Identifiers: ClinVar variation 4672482 (VCV004672482.1).